The following is an entry in ClinVar:

NM_133379.5(TTN):c.13075G>A (p.Ala4359Thr)

Gene: TTN (titin; minus strand). Cytogenetic location: 2q31.2.
Variant type: single nucleotide variant.
Coding change: c.13075G>A on transcript NM_133379.5; coding-DNA position 13075, G replaced by A.
Protein change: p.Ala4359Thr; replaces alanine 4359 with threonine.
Molecular consequence: missense variant. On other transcripts: intron variant (6).
Genome position (GRCh38, 1-based): chr2:178,749,325, C>T on the plus strand (G>A on the coding strand, the complement: TTN is on the minus strand). VCF-style: chr2-178749325-C-T. GRCh37 (hg19) VCF-style: chr2-179614052-C-T.
Other names: c.10222+3799G>A (NM_003319.4); c.10798+3799G>A (NM_133437.4); c.10597+3799G>A (NM_133432.3); c.10360+3799G>A (NM_133378.4, NM_001256850.1); c.11311+3799G>A (NM_001267550.2); short protein forms A4359T.
Identifiers: ClinVar variation 229581 (VCV000229581.5), dbSNP rs876658103, ClinGen allele CA10576567.

ClinVar aggregate classification (germline): Uncertain significance (1 of 4 stars; one submission).

Allele frequency attached by ClinVar (database versions not stated): gnomAD exomes below 0.00001; TOPMed 0.00001.
gnomAD v4.1: 1 of 1,612,506 alleles (0.000062%); highest among the groups gnomAD compares: Non-Finnish European, 0.000085%; no homozygotes.

Submission:

Laboratory for Molecular Medicine, Mass General Brigham Personalized Medicine
Classification: Uncertain significance. Last evaluated: 2015-02-03. Review status: criteria provided, single submitter. Criteria: LMM Criteria. Collection method: clinical testing. Allele origin: germline. Observed: 1 variant allele.
Comment: The p.Ala4359Thr variant in TTN has not been previously reported in individuals with cardiomyopathy or in large population studies. Computational prediction too ls and conservation analysis are limited or unavailable for this variant. In sum mary, the clinical significance of the p.Ala4359Thr variant is uncertain.